The following is an entry in ClinVar:

ClinVar aggregate classification (germline): Uncertain significance (0 of 4 stars; one submission).

Conditions:
FAAH-related disorder. Also called: FAAH-related condition.

Submission:

PreventionGenetics, part of Exact Sciences
Classification: Uncertain significance for FAAH-related condition. Last evaluated: 2024-04-08. Review status: no assertion criteria provided. Collection method: clinical testing. Allele origin: germline.
Comment: The FAAH c.285delC variant is predicted to result in a frameshift and premature protein termination (p.Val96Cysfs*12). To our knowledge, this variant has not been reported in the literature or in a large population database, indicating this variant is rare. At this time, the clinical significance of this variant is uncertain due to the absence of conclusive functional and genetic evidence.

NM_001441.3(FAAH):c.285del (p.Val96fs)

Gene: FAAH (fatty acid amide hydrolase; plus strand). Cytogenetic location: 1p33.
Variant type: Deletion.
Coding change: c.285del on transcript NM_001441.3 (MANE Select); coding-DNA position 285, one base deleted (C; older notation c.285delC).
Protein change: p.Val96fs; shifts the reading frame from valine 96.
Molecular consequence: frameshift variant.
Genome position (GRCh38, 1-based): chr1:46,402,180, C deleted; the last of 2 consecutive C bases (chr1:46,402,179-46,402,180); deleting either gives the same sequence. VCF-style (leftmost placement, unchanged base first): chr1-46402178-GC-G. GRCh37 (hg19) VCF-style: chr1-46867850-GC-G.
Other names: short protein forms V96fs.
Identifiers: ClinVar variation 3348762 (VCV003348762.1).